The following is an entry in ClinVar:

ClinVar aggregate classification (germline): Benign (1 of 4 stars; one submission).

gnomAD v4.1: 1,564 of 1,599,896 alleles (0.098%); highest among the groups gnomAD compares: African/African-American, 2%; 18 homozygotes.

Submission:

Mayo Clinic Laboratories, Mayo Clinic
Classification: Benign. Last evaluated: 2024-12-10. Review status: criteria provided, single submitter. Criteria: ACMG Guidelines, 2015. Collection method: clinical testing. Allele origin: germline. Observed: 5 variant alleles.
Comment: BS1, BS2, BP4

NM_012088.3(PGLS):c.688C>G (p.Gln230Glu)

Gene: PGLS (6-phosphogluconolactonase; plus strand). Cytogenetic location: 19p13.11.
Variant type: single nucleotide variant.
Coding change: c.688C>G on transcript NM_012088.3 (MANE Select); coding-DNA position 688, C replaced by G.
Protein change: p.Gln230Glu; replaces glutamine 230 with glutamic acid.
Molecular consequence: missense variant.
Genome position (GRCh38, 1-based): chr19:17,520,992, C>G. VCF-style: chr19-17520992-C-G. GRCh37 (hg19) VCF-style: chr19-17631801-C-G.
Other names: p.Gln230Glu; short protein forms Q230E.
Identifiers: ClinVar variation 4684340 (VCV004684340.1).